The following is an entry in ClinVar:

ClinVar aggregate classification (germline): Uncertain significance. Review status: criteria provided, multiple submitters, no conflicts (2 of 4 stars). 2 submissions from 2 submitters: Uncertain significance (2). Last evaluated 2025-07-31.

Conditions:
Inborn genetic diseases. Identifiers: MedGen C0950123, MeSH D030342.

gnomAD v4.1: 2 of 1,613,492 alleles (0.00012%); highest among the groups gnomAD compares: Admixed American, 0.0017%; no homozygotes.

Submissions (2):

Ambry Genetics
Classification: Uncertain significance for Inborn genetic diseases. Last evaluated: 2025-07-31. Review status: criteria provided, single submitter. Criteria: Ambry Variant Classification Scheme 2023. Collection method: clinical testing. Allele origin: germline.

Labcorp Genetics (formerly Invitae), Labcorp
Classification: Uncertain significance. Last evaluated: 2023-06-16. Review status: criteria provided, single submitter. Criteria: Invitae Variant Classification Sherloc (09022015). Collection method: clinical testing. Allele origin: germline.
Comment: This sequence change replaces arginine, which is basic and polar, with proline, which is neutral and non-polar, at codon 829 of the KDM1A protein (p.Arg829Pro). This variant has not been reported in the literature in individuals affected with KDM1A-related conditions. This variant is present in population databases (rs769378240, gnomAD 0.003%). Advanced modeling of protein sequence and biophysical properties (such as structural, functional, and spatial information, amino acid conservation, physicochemical variation, residue mobility, and thermodynamic stability) performed at Invitae indicates that this missense variant is expected to disrupt KDM1A protein function. In summary, the available evidence is currently insufficient to determine the role of this variant in disease. Therefore, it has been classified as a Variant of Uncertain Significance.

NM_001009999.3(KDM1A):c.2486G>C (p.Arg829Pro)

Gene: KDM1A (lysine demethylase 1A; plus strand). Cytogenetic location: 1p36.12.
Variant type: single nucleotide variant.
Coding change: c.2486G>C on transcript NM_001009999.3 (MANE Select); coding-DNA position 2486, G replaced by C.
Protein change: p.Arg829Pro; replaces arginine 829 with proline.
Molecular consequence: missense variant. On other transcripts: 3 prime UTR variant (1).
Genome position (GRCh38, 1-based): chr1:23,083,219, G>C. VCF-style: chr1-23083219-G-C. GRCh37 (hg19) VCF-style: chr1-23409712-G-C.
Other names: c.2432G>C, p.Arg811Pro (NM_001363654.2); c.2492G>C, p.Arg831Pro (NM_001410762.1); c.*734G>C (NM_001410763.1); c.2414G>C, p.Arg805Pro (NM_015013.4); c.2486G>C (NM_001009999.2); short protein forms R811P, R829P, R831P, R805P.
Identifiers: ClinVar variation 2832594 (VCV002832594.4), dbSNP rs769378240, ClinGen allele CA679983.